The following is an entry in ClinVar:

NM_002734.5(PRKAR1A):c.543G>T (p.Glu181Asp)

Gene: PRKAR1A (protein kinase cAMP-dependent type I regulatory subunit alpha; plus strand). Cytogenetic location: 17q24.2.
Variant type: single nucleotide variant.
Coding change: c.543G>T on transcript NM_002734.5 (MANE Select); coding-DNA position 543, G replaced by T.
Protein change: p.Glu181Asp; replaces glutamic acid 181 with aspartic acid.
Molecular consequence: missense variant.
Genome position (GRCh38, 1-based): chr17:68,524,952, G>T. VCF-style: chr17-68524952-G-T. GRCh37 (hg19) VCF-style: chr17-66521093-G-T.
Other names: c.543G>T, p.Glu181Asp (NM_001276289.2, NM_001276290.1, NM_001278433.2 and 4 more transcripts); short protein forms E181D.
Identifiers: ClinVar variation 4844136 (VCV004844136.1).

ClinVar aggregate classification (germline): Uncertain significance (1 of 4 stars; one submission).

Conditions:
Hereditary cancer-predisposing syndrome. Also called: Neoplastic Syndromes, Hereditary; Tumor predisposition; Hereditary Cancer Syndrome; Hereditary neoplastic syndrome. Identifiers: Orphanet 140162, MedGen C0027672, MeSH D009386, MONDO:0015356.

Submission:

Ambry Genetics
Classification: Uncertain significance for Hereditary cancer-predisposing syndrome. Last evaluated: 2026-02-16. Review status: criteria provided, single submitter. Criteria: Ambry Variant Classification Scheme 2023. Collection method: clinical testing. Allele origin: germline.
Comment: The p.E181D variant (also known as c.543G>T), located in coding exon 5 of the PRKAR1A gene, results from a G to T substitution at nucleotide position 543. The glutamic acid at codon 181 is replaced by aspartic acid, an amino acid with highly similar properties. This amino acid position is highly conserved in available vertebrate species. In addition, this alteration is predicted to be deleterious by in silico analysis. Based on the available evidence, the clinical significance of this variant remains unclear.